The following is an entry in ClinVar:

NM_006416.5(SLC35A1):c.-18G>C

Gene: SLC35A1 (solute carrier family 35 member A1; plus strand). Cytogenetic location: 6q15.
Variant type: single nucleotide variant.
Coding change: c.-18G>C on transcript NM_006416.5 (MANE Select); 18 bases upstream of the start codon, G replaced by C.
Molecular consequence: 5 prime UTR variant.
Genome position (GRCh38, 1-based): chr6:87,472,986, G>C. VCF-style: chr6-87472986-G-C. GRCh37 (hg19) VCF-style: chr6-88182704-G-C.
Other names: c.-18G>C (NM_001168398.2).
Identifiers: ClinVar variation 95391 (VCV000095391.8), dbSNP rs9450704, ClinGen allele CA148513.

ClinVar aggregate classification (germline): Benign. Review status: criteria provided, multiple submitters, no conflicts (2 of 4 stars). 4 submissions from 4 submitters: Benign (4). Last evaluated 2021-07-15.

Conditions:
SLC35A1-congenital disorder of glycosylation. Also called: SLC35A1-CDG; CONGENITAL DISORDER OF GLYCOSYLATION, TYPE IIf; CDG IIf. Identifiers: Orphanet 238459, MedGen C1970344, MONDO:0011342, OMIM 603585.

Allele frequency attached by ClinVar (database versions not stated): gnomAD 0.59575; gnomAD exomes 0.59795; TOPMed 0.64125; 1000 Genomes Project 0.64597; 1000 Genomes Project 30x 0.65709; ESP Exome Variant Server 0.67411.
gnomAD v4.1: 358,948 of 657,550 alleles (55%); highest among the groups gnomAD compares: African/African-American, 79%; 101,285 homozygotes.

Submissions (4):

Genome-Nilou Lab
Classification: Benign for SLC35A1-congenital disorder of glycosylation. Last evaluated: 2021-07-15. Review status: criteria provided, single submitter. Criteria: ACMG Guidelines, 2015. Collection method: clinical testing. Allele origin: germline. Affected: no.

Mayo Clinic Laboratories, Mayo Clinic
Classification: Benign. Last evaluated: 2018-10-02. Review status: criteria provided, single submitter. Criteria: ACMG Guidelines, 2015. Collection method: clinical testing. Allele origin: germline. Observed: 37 variant alleles.

Eurofins Ntd Llc (ga)
Classification: Benign. Last evaluated: 2016-01-20. Review status: criteria provided, single submitter. Criteria: EGL Classification Definitions 2015. Collection method: clinical testing. Allele origin: germline. Observed: 40 variant alleles, 19 heterozygotes, 21 homozygotes.

GeneDx
Classification: Benign. Last evaluated: 2015-12-02. Review status: criteria provided, single submitter. Criteria: GeneDx Variant Classification (06012015). Collection method: clinical testing. Allele origin: germline. Affected: yes.
Comment: This variant is considered likely benign or benign based on one or more of the following criteria: it is a conservative change, it occurs at a poorly conserved position in the protein, it is predicted to be benign by multiple in silico algorithms, and/or has population frequency not consistent with disease.